The following is an entry in ClinVar:

ClinVar aggregate classification (germline): Likely benign. Review status: criteria provided, single submitter (1 of 4 stars). 2 submissions from 2 submitters: Likely benign (1). 1 of the submissions does not count toward it. Last evaluated 2024-04-15.

Conditions:
ABCA2-related disorder. Also called: ABCA2-related condition.

Allele frequency attached by ClinVar (database versions not stated): ExAC 0.00004; gnomAD exomes 0.00006; gnomAD 0.00007; ESP Exome Variant Server 0.00008; TOPMed 0.00009.
gnomAD v4.1: 98 of 1,585,216 alleles (0.0062%); highest among the groups gnomAD compares: Admixed American, 0.017%; no homozygotes.

Submissions (2):

Blueprint Genetics
Classification: Likely benign. Last evaluated: 2024-04-15. Review status: criteria provided, single submitter. Criteria: ACMG Guidelines, 2015. Collection method: clinical testing. Allele origin: germline.

PreventionGenetics, part of Exact Sciences
Classification: Likely benign for ABCA2-related condition. Last evaluated: 2020-02-24. Review status: no assertion criteria provided. Collection method: clinical testing. Allele origin: germline. Not counted in ClinVar's aggregate classification.
Comment: This variant is classified as likely benign based on ACMG/AMP sequence variant interpretation guidelines (Richards et al. 2015 PMID: 25741868, with internal and published modifications).

NM_001606.5(ABCA2):c.1266-6C>T

Gene: ABCA2 (ATP binding cassette subfamily A member 2; minus strand). Cytogenetic location: 9q34.3.
Variant type: single nucleotide variant.
Coding change: c.1266-6C>T on transcript NM_001606.5 (MANE Select); 6 bases into the intron before coding-DNA position 1266, C replaced by T.
Molecular consequence: intron variant.
Genome position (GRCh38, 1-based): chr9:137,020,501, G>A on the plus strand (C>T on the coding strand, the complement: ABCA2 is on the minus strand). VCF-style: chr9-137020501-G-A. GRCh37 (hg19) VCF-style: chr9-139914953-G-A.
Other names: c.1356-6C>T (NM_212533.3); c.1263-6C>T (NM_001411042.1).
Identifiers: ClinVar variation 3051602 (VCV003051602.3), dbSNP rs376434283, ClinGen allele CA5355522.
Genomic context (GRCh38, chr9:137,020,501, plus strand): 5'-CGTGAAGCCCAGGGAGCTCATGTTGCCCCGCCGCAGCGCCTCGGGTTCAATGGTGCTGGG[G>A]TAGGGGACAGGGGGCCGGGCCAGGCCGTTAGGGGGCAGGGCCGCGAGAGTGGGAGGGGCA-3'